The following is an entry in ClinVar:

NM_000038.6(APC):c.1845T>G (p.Phe615Leu)

Gene: APC (APC regulator of Wnt signaling pathway; plus strand). Cytogenetic location: 5q22.2.
Variant type: single nucleotide variant.
Coding change: c.1845T>G on transcript NM_000038.6 (MANE Select); coding-DNA position 1845, T replaced by G.
Protein change: p.Phe615Leu; replaces phenylalanine 615 with leucine.
Molecular consequence: missense variant.
Genome position (GRCh38, 1-based): chr5:112,835,052, T>G. VCF-style: chr5-112835052-T-G. GRCh37 (hg19) VCF-style: chr5-112170749-T-G.
Other names: c.1845T>G, p.Phe615Leu (NM_001127510.3, NM_001354895.2); c.1791T>G, p.Phe597Leu (NM_001127511.3); c.1899T>G, p.Phe633Leu (NM_001354896.2); c.1875T>G, p.Phe625Leu (NM_001354897.2); c.1770T>G, p.Phe590Leu (NM_001354898.2); c.1761T>G, p.Phe587Leu (NM_001354899.2); c.1722T>G, p.Phe574Leu (NM_001354900.2); c.1668T>G, p.Phe556Leu (NM_001354901.2); and 5 more; short protein forms F332L, F455L, F489L, F514L, F524L, F556L, F574L, F587L.
Identifiers: ClinVar variation 1019690 (VCV001019690.48), dbSNP rs1375862323, ClinGen allele CA16025358.
Genomic context (GRCh38, chr5:112,835,052, plus strand): 5'-GTCAGCACATTGCACTGAGAATAAAGCTGATATATGTGCTGTAGATGGTGCACTTGCATT[T>G]TTGGTTGGCACTCTTACTTACCGGAGCCAGACAAACACTTTAGCCATTATTGAAAGTGGA-3'
Protein context (NP_000029.2, residues 605-625): DICAVDGALA[Phe615Leu]LVGTLTYRSQ

ClinVar aggregate classification (germline): Uncertain significance (1 of 4 stars; one submission).

Conditions:
Familial adenomatous polyposis 1 (FAP1). Also called: POLYPOSIS, ADENOMATOUS INTESTINAL; FAMILIAL ADENOMATOUS POLYPOSIS 1, ATTENUATED. Identifiers: MedGen C2713442, MONDO:0021056, OMIM 175100. Disease mechanism: loss of function.

Submission:

Labcorp Genetics (formerly Invitae), Labcorp
Classification: Uncertain significance for Familial adenomatous polyposis 1. Last evaluated: 2024-03-06. Review status: criteria provided, single submitter. Criteria: Invitae Variant Classification Sherloc (09022015). Collection method: clinical testing. Allele origin: germline.
Comment: This sequence change replaces phenylalanine, which is neutral and non-polar, with leucine, which is neutral and non-polar, at codon 615 of the APC protein (p.Phe615Leu). This variant is not present in population databases (gnomAD no frequency). This variant has not been reported in the literature in individuals affected with APC-related conditions. ClinVar contains an entry for this variant (Variation ID: 1019690). Advanced modeling of protein sequence and biophysical properties (such as structural, functional, and spatial information, amino acid conservation, physicochemical variation, residue mobility, and thermodynamic stability) performed at Invitae indicates that this missense variant is not expected to disrupt APC protein function with a negative predictive value of 95%. In summary, the available evidence is currently insufficient to determine the role of this variant in disease. Therefore, it has been classified as a Variant of Uncertain Significance.